The following is an entry in ClinVar:

NM_001378373.1(MBL2):c.170G>A (p.Gly57Glu)

Gene: MBL2 (mannose binding lectin 2; minus strand). Cytogenetic location: 10q21.1.
Variant type: single nucleotide variant.
Coding change: c.170G>A on transcript NM_001378373.1 (MANE Select); coding-DNA position 170, G replaced by A.
Protein change: p.Gly57Glu; replaces glycine 57 with glutamic acid.
Molecular consequence: missense variant.
Genome position (GRCh38, 1-based): chr10:52,771,466, C>T on the plus strand (G>A on the coding strand, the complement: MBL2 is on the minus strand). VCF-style: chr10-52771466-C-T. GRCh37 (hg19) VCF-style: chr10-54531226-C-T.
Other names: c.170G>A, p.Gly57Glu (NM_000242.3, NM_001378374.1); short protein forms G57E.
Identifiers: ClinVar variation 14351 (VCV000014351.15), dbSNP rs1800451, ClinGen allele CA123881.

ClinVar aggregate classification (germline): Benign/Likely benign. Review status: criteria provided, multiple submitters, no conflicts (2 of 4 stars). 7 submissions from 7 submitters: Benign (4); Likely benign (2). 1 of the submissions does not count toward it. Last evaluated 2024-08-29.

Conditions:
Mannose-binding lectin deficiency. Also called: Chronic infections, due to MBL deficiency; MBP DEFICIENCY; MBL DEFICIENCY; MBL2 DEFICIENCY; LECTIN COMPLEMENT ACTIVATION PATHWAY, DEFECT IN, 1. Identifiers: MedGen C3280586, MONDO:0013714, OMIM 614372.

Allele frequency attached by ClinVar (database versions not stated): gnomAD exomes 0.03215; ExAC 0.03659; gnomAD 0.07628 and 0.08024; 1000 Genomes Project 0.08127; TOPMed 0.08451; 1000 Genomes Project 30x 0.08526.

Submissions (7):

Labcorp Genetics (formerly Invitae), Labcorp
Classification: Benign. Last evaluated: 2024-08-29. Review status: criteria provided, single submitter. Criteria: Invitae Variant Classification Sherloc (09022015). Collection method: clinical testing. Allele origin: germline.

Department of Pathology and Laboratory Medicine, Sinai Health System
Classification: Benign for Mannose-binding lectin deficiency. Last evaluated: 2023-04-19. Review status: criteria provided, single submitter. Criteria: ACMG Guidelines, 2015. Collection method: research. Allele origin: germline.

GeneDx
Classification: Benign. Last evaluated: 2020-02-27. Review status: criteria provided, single submitter. Criteria: GeneDx Variant Classification Process June 2021. Collection method: clinical testing. Allele origin: germline. Affected: yes.
Comment: This variant is associated with the following publications: (PMID: 1304173, 22022564, 21695215, 21510992, 22323042, 22380611, 27153925)

Illumina Laboratory Services, Illumina
Classification: Likely benign for Mannose-binding lectin deficiency. Last evaluated: 2017-04-27. Review status: criteria provided, single submitter. Criteria: ICSL Variant Classification Criteria 13 December 2019. Collection method: clinical testing. Allele origin: germline.
Comment: This variant was observed as part of a predisposition screen in an ostensibly healthy population. A literature search was performed for the gene, cDNA change, and amino acid change (where applicable). Publications were found based on this search. The evidence from the literature, in combination with allele frequency data from public databases where available, was sufficient to determine this variant is unlikely to cause disease. Therefore, this variant is classified as likely benign.

Laboratory for Molecular Medicine, Mass General Brigham Personalized Medicine
Classification: Benign. Last evaluated: 2016-03-28. Review status: criteria provided, single submitter. Criteria: LMM Criteria. Collection method: clinical testing. Allele origin: germline.
Comment: Variant identified in a genome or exome case(s) and assessed due to predicted null impact of the variant or pathogenic assertions in the literature or databases. Disclaimer: This variant has not undergone full assessment. The following are preliminary notes: Frequency, variant previously associated with placental malaria, systemic lupus, tuberculosis. Functional studies show some impact?

Breakthrough Genomics
Classification: Likely benign. Review status: criteria provided, single submitter. Criteria: ACMG Guidelines, 2015. Collection method: not provided. Allele origin: germline. Inheritance: Autosomal dominant inheritance. Affected: yes.

OMIM
Classification: Pathogenic for MANNOSE-BINDING LECTIN DEFICIENCY. Last evaluated: 1992-12-01. Review status: no assertion criteria provided. Collection method: literature only. Allele origin: germline. Not counted in ClinVar's aggregate classification.

Literature cited by the submitters: PubMed 8206524 (cited by Illumina Laboratory Services, Illumina); PubMed 16395391 (cited by Illumina Laboratory Services, Illumina); PubMed 1304173 (cited by Illumina Laboratory Services, Illumina and OMIM); PubMed 14568388 (cited by Illumina Laboratory Services, Illumina).